The following is an entry in ClinVar:

NM_003072.5(SMARCA4):c.1934T>C (p.Met645Thr)

Gene: SMARCA4 (SWI/SNF related BAF chromatin remodeling complex subunit ATPase 4; plus strand). Cytogenetic location: 19p13.2.
Variant type: single nucleotide variant.
Coding change: c.1934T>C on transcript NM_003072.5 (MANE Select); coding-DNA position 1934, T replaced by C.
Protein change: p.Met645Thr; replaces methionine 645 with threonine.
Molecular consequence: missense variant. On other transcripts: non-coding transcript variant (1).
Genome position (GRCh38, 1-based): chr19:11,003,150, T>C. VCF-style: chr19-11003150-T-C. GRCh37 (hg19) VCF-style: chr19-11113826-T-C.
Other names: c.1934T>C, p.Met645Thr (NM_001128844.3, NM_001128845.2, NM_001128846.2 and 6 more transcripts); short protein forms M645T.
Identifiers: ClinVar variation 2587141 (VCV002587141.2), dbSNP rs2087816849, ClinGen allele CA404051708.
Genomic context (GRCh38, chr19:11,003,150, plus strand): 5'-GGAAGATCCTCACAGGCACAGATGCCCCCAAAGCCGGGCAGCTGGAGGCCTGGCTCGAGA[T>C]GAACCCGGGGTGAGTTGGGCCTTGCATTCCAGATGCAGTGGGGATCCAAGTCCTCGGTGG-3'
Protein context (NP_003063.2, residues 635-655): KAGQLEAWLE[Met645Thr]NPGYEVAPRS

ClinVar aggregate classification (germline): Uncertain significance (1 of 4 stars; one submission).

Conditions:
Hereditary cancer-predisposing syndrome. Also called: Tumor predisposition; Hereditary Cancer Syndrome; Hereditary neoplastic syndrome; Neoplastic Syndromes, Hereditary. Identifiers: Orphanet 140162, MedGen C0027672, MeSH D009386, MONDO:0015356.

Submission:

Ambry Genetics
Classification: Uncertain significance for Hereditary cancer-predisposing syndrome. Last evaluated: 2023-08-17. Review status: criteria provided, single submitter. Criteria: Ambry Variant Classification Scheme 2023. Collection method: clinical testing. Allele origin: germline.
Comment: The p.M645T variant (also known as c.1934T>C), located in coding exon 11 of the SMARCA4 gene, results from a T to C substitution at nucleotide position 1934. The methionine at codon 645 is replaced by threonine, an amino acid with similar properties. This amino acid position is highly conserved in available vertebrate species. In addition, the in silico prediction for this alteration is inconclusive. Missense and in-frame variants in SMARCA4 are known to cause neurodevelopmental disorders; however, such associations with rhabdoid tumor predisposition syndrome including small cell carcinoma of the ovary-hypercalcemic type (SCCOHT) are exceedingly rare (Kosho T et al. Am J Med Genet C Semin Med Genet. 2014 Sep;166C(3):262-75; Jelinic P et al. Nat Genet. 2014 May;46(5):424-6). Since supporting evidence is limited at this time, the clinical significance of this alteration remains unclear.